The following is an entry in ClinVar:

ClinVar aggregate classification (germline): Pathogenic/Likely pathogenic. Review status: criteria provided, multiple submitters, no conflicts (2 of 4 stars). 4 submissions from 4 submitters: Pathogenic (2); Likely pathogenic (2). Last evaluated 2024-12-02.

Conditions:
Heimler syndrome 1 (HMLR1). Also called: PEROXISOME BIOGENESIS DISORDER 1C. Identifiers: Orphanet 3220, MedGen C4551980, OMIM 234580, MONDO:0024544.
Zellweger spectrum disorders (ZS). Also called: Zellweger syndrome; Zellweger Spectrum Disorder (ZSD); Zellweger Spectrum Disorder; Zellweger Spectrum. Identifiers: Orphanet 912, MedGen C0043459, MONDO:0019609.
Peroxisome biogenesis disorder 1B (PBD1B). Also called: PEROXISOME BIOGENESIS DISORDER (NEONATAL ADRENOLEUKODYSTROPHY/INFANTILE REFSUM DISEASE); INFANTILE PHYTANIC ACID STORAGE DISEASE; Refsum disease, infantile form; Infantile Refsum disease; Infantile form of phytanic acid storage disease; PEROXISOME BIOGENESIS DISORDER (NALD/IRD). Identifiers: Orphanet 44, MedGen C0282527, MONDO:0011101, OMIM 601539.
Peroxisome biogenesis disorder 1A (Zellweger) (PBD1A). Also called: Zellweger leukodystrophy; Peroxisome biogenesis disorder 1a. Identifiers: MedGen C4721541, MONDO:0008953, OMIM 214100.

Submissions (4):

Natera, Inc.
Classification: Likely pathogenic for Zellweger syndrome. Last evaluated: 2024-12-02. Review status: criteria provided, single submitter. Criteria: Natera Variant Classification Schema (03/2026). Collection method: clinical testing. Allele origin: germline.
Comment: The c.3530dupT variant in PEX1 is a frameshift variant predicted to shift the reading frame beginning at codon 1177 and leads to a stop codon 54 codons downstream. This variant is expected to result in nonsense mediated decay, truncation, or a dysfunctional protein product. This variant is rare in the general population with a frequency below the threshold expected for the associated phenotype(s). Given the available evidence, this variant is classified as Likely Pathogenic.

Fulgent Genetics
Classification: Likely pathogenic for Peroxisome biogenesis disorder 1A (Zellweger); Heimler syndrome 1; Peroxisome biogenesis disorder 1B. Last evaluated: 2024-04-04. Review status: criteria provided, single submitter. Criteria: ACMG Guidelines, 2015. Collection method: clinical testing. Allele origin: germline.

Labcorp Genetics (formerly Invitae), Labcorp
Classification: Pathogenic for Zellweger spectrum disorders. Last evaluated: 2023-07-31. Review status: criteria provided, single submitter. Criteria: Invitae Variant Classification Sherloc (09022015). Collection method: clinical testing. Allele origin: germline.
Comment: For these reasons, this variant has been classified as Pathogenic. This variant has not been reported in the literature in individuals affected with PEX1-related conditions. This variant is not present in population databases (gnomAD no frequency). This sequence change creates a premature translational stop signal (p.Leu1177Phefs*54) in the PEX1 gene. It is expected to result in an absent or disrupted protein product. Loss-of-function variants in PEX1 are known to be pathogenic (PMID: 21031596, 26387595, 31831025).

Baylor Genetics
Classification: Pathogenic for Heimler syndrome 1. Last evaluated: 2023-04-20. Review status: criteria provided, single submitter. Criteria: ACMG Guidelines, 2015. Collection method: clinical testing. Allele origin: unknown.

Literature cited by the submitters: PubMed 21031596 (cited by Labcorp Genetics (formerly Invitae), Labcorp); PubMed 26387595 (cited by Labcorp Genetics (formerly Invitae), Labcorp); PubMed 31831025 (cited by Labcorp Genetics (formerly Invitae), Labcorp).

NM_000466.3(PEX1):c.3530dup (p.Leu1177fs)

Genes: PEX1 (peroxisomal biogenesis factor 1; minus strand), GATAD1 (GATA zinc finger domain containing 1; plus strand). Cytogenetic location: 7q21.2.
Variant type: Duplication.
Coding change: c.3530dup on transcript NM_000466.3 (MANE Select); coding-DNA position 3530, one base duplicated (T; older notation c.3530dupT).
Protein change: p.Leu1177fs; shifts the reading frame from leucine 1177.
Molecular consequence: frameshift variant.
Genome position (GRCh38, 1-based): chr7:92,489,820, A duplicated on the plus strand (T on the coding strand, the reverse complement: PEX1 is on the minus strand); the first of 2 consecutive A bases (chr7:92,489,820-92,489,821); duplicating either gives the same sequence. VCF-style (leftmost placement, unchanged base first): chr7-92489819-T-TA. GRCh37 (hg19) VCF-style: chr7-92119133-T-TA.
Other names: c.3530dupT (NM_000466.2); c.3359dup, p.Leu1120fs (NM_001282677.2); c.2906dup, p.Leu969fs (NM_001282678.2); short protein forms L1120fs, L1177fs, L969fs.
Identifiers: ClinVar variation 2677623 (VCV002677623.6), dbSNP rs2484613131, ClinGen allele CA2683717061.
Genomic context (GRCh38, chr7:92,489,819, plus strand): 5'-CCTCAGTTGATCTCTTTGTTCTTGTGTAAGTTCTTGGCAACCCTCTTGTGAAGCTGTCCT[T>TA]AACACTGGAGGCTGTGAAAACAACTGGTCTTTCCCAGGAACTCCAGGCAAATCCTGAGTC-3'